The following is an entry in ClinVar:

NM_001761.3(CCNF):c.1500C>T (p.Asp500=)

Gene: CCNF (cyclin F; plus strand). Cytogenetic location: 16p13.3.
Variant type: single nucleotide variant.
Coding change: c.1500C>T on transcript NM_001761.3 (MANE Select); coding-DNA position 1500, C replaced by T.
Protein change: p.Asp500=; no amino-acid change (aspartic acid 500 retained).
Molecular consequence: synonymous variant.
Genome position (GRCh38, 1-based): chr16:2,453,222, C>T. VCF-style: chr16-2453222-C-T. GRCh37 (hg19) VCF-style: chr16-2503223-C-T.
Other names: c.576C>T, p.Asp192= (NM_001323538.2).
Identifiers: ClinVar variation 3250778 (VCV003250778.18), dbSNP rs749156038.

ClinVar aggregate classification (germline): Likely benign (1 of 4 stars; one submission).

Allele frequency attached by ClinVar (database versions not stated): gnomAD exomes 0.00001; ExAC 0.00002; TOPMed 0.00003; gnomAD 0.00005.
gnomAD v4.1: 20 of 1,613,600 alleles (0.0012%); highest among the groups gnomAD compares: African/African-American, 0.0093%; no homozygotes.

Submission:

CeGaT Center for Human Genetics Tuebingen
Classification: Likely benign. Last evaluated: 2024-06-01. Review status: criteria provided, single submitter. Criteria: CeGaT Center For Human Genetics Tuebingen Variant Classification Criteria Version 2. Collection method: clinical testing. Allele origin: germline. Affected: yes. Observed: 1 variant allele.
Comment: CCNF: BP4, BP7